The following is an entry in ClinVar:

ClinVar aggregate classification (germline): Conflicting classifications of pathogenicity. Review status: criteria provided, conflicting classifications (1 of 4 stars). 2 submissions from 2 submitters: Uncertain significance (1); Likely benign (1). Last evaluated 2025-04-08.

Allele frequency attached by ClinVar (database versions not stated): gnomAD exomes 0.00006; ExAC 0.00015; 1000 Genomes Project 0.00020; 1000 Genomes Project 30x 0.00031; gnomAD 0.00037; TOPMed 0.00045; ESP Exome Variant Server 0.00076.
gnomAD v4.1: 141 of 1,612,318 alleles (0.0087%); highest among the groups gnomAD compares: African/African-American, 0.11%; no homozygotes.

Submissions (2):

Labcorp Genetics (formerly Invitae), Labcorp
Classification: Uncertain significance. Last evaluated: 2025-04-08. Review status: criteria provided, single submitter. Criteria: Invitae Variant Classification Sherloc (09022015). Collection method: clinical testing. Allele origin: germline.
Comment: This sequence change replaces arginine, which is basic and polar, with glutamine, which is neutral and polar, at codon 2216 of the ZDBF2 protein (p.Arg2216Gln). This variant is present in population databases (rs199913989, gnomAD 0.1%), and has an allele count higher than expected for a pathogenic variant. This variant has not been reported in the literature in individuals affected with ZDBF2-related conditions. ClinVar contains an entry for this variant (Variation ID: 2077556). An algorithm developed to predict the effect of missense changes on protein structure and function outputs the following: PolyPhen-2: "Benign". The glutamine amino acid residue is found in multiple mammalian species, which suggests that this missense change does not adversely affect protein function. In summary, the available evidence is currently insufficient to determine the role of this variant in disease. Therefore, it has been classified as a Variant of Uncertain Significance.

Ambry Genetics
Classification: Likely benign. Last evaluated: 2021-10-22. Review status: criteria provided, single submitter. Criteria: Ambry Variant Classification Scheme 2023. Collection method: clinical testing. Allele origin: germline.

NM_020923.3(ZDBF2):c.6647G>A (p.Arg2216Gln)

Gene: ZDBF2 (zinc finger DBF-type containing 2; plus strand). Cytogenetic location: 2q33.3.
Variant type: single nucleotide variant.
Coding change: c.6647G>A on transcript NM_020923.3 (MANE Select); coding-DNA position 6647, G replaced by A.
Protein change: p.Arg2216Gln; replaces arginine 2216 with glutamine.
Molecular consequence: missense variant.
Genome position (GRCh38, 1-based): chr2:206,311,175, G>A. VCF-style: chr2-206311175-G-A. GRCh37 (hg19) VCF-style: chr2-207175899-G-A.
Other names: c.6641G>A, p.Arg2214Gln (NM_001285549.2); c.6647G>A, p.Arg2216Gln (NM_001369654.1); short protein forms R2214Q, R2216Q.
Identifiers: ClinVar variation 2077556 (VCV002077556.5), dbSNP rs199913989, ClinGen allele CA2072673.
Genomic context (GRCh38, chr2:206,311,175, plus strand): 5'-AACCAATTATTCTCCAGCAAAAACCCAGAAAAGCTTCAGAGAAACAGTCAATTTGGATTC[G>A]GACCAAACCAAGTGATATCATTAGAAAGTATATTTCGAAATACTCTGTCTTTTTACGTCA-3'
Protein context (NP_065974.1, residues 2206-2226): KASEKQSIWI[Arg2216Gln]TKPSDIIRKY